The following is an entry in ClinVar:

NM_001145715.3(KPNA7):c.1447G>A (p.Glu483Lys)

Gene: KPNA7 (karyopherin subunit alpha 7; minus strand). Cytogenetic location: 7q22.1.
Variant type: single nucleotide variant.
Coding change: c.1447G>A on transcript NM_001145715.3 (MANE Select); coding-DNA position 1447, G replaced by A.
Protein change: p.Glu483Lys; replaces glutamic acid 483 with lysine.
Molecular consequence: missense variant.
Genome position (GRCh38, 1-based): chr7:99,177,937, C>T on the plus strand (G>A on the coding strand, the complement: KPNA7 is on the minus strand). VCF-style: chr7-99177937-C-T. GRCh37 (hg19) VCF-style: chr7-98775560-C-T.
Other names: c.1447G>A (NM_001145715.1); short protein forms E483K.
Identifiers: ClinVar variation 1021108 (VCV001021108.8), dbSNP rs776729679, ClinGen allele CA163744393.
Genomic context (GRCh38, chr7:99,177,937, plus strand): 5'-ACCAAGACCCCTGGATACTCCTCCACGCTCCTAAGTCACTTACCTCACCAAAGTGCTTCT[C>T]GATGATGTTCAAAGCCGACTGGCCAATTTGACGGTTCTCATGCAGCTGTAAAGCCTCAAT-3'
Protein context (NP_001139187.1, residues 473-493): QIGQSALNII[Glu483Lys]KHFGEEEDES

ClinVar aggregate classification (germline): Uncertain significance. Review status: criteria provided, multiple submitters, no conflicts (2 of 4 stars). 2 submissions from 2 submitters: Uncertain significance (2). Last evaluated 2025-08-04.

Allele frequency attached by ClinVar (database versions not stated): TOPMed 0.00001.
gnomAD v4.1: 15 of 1,551,880 alleles (0.00097%); highest among the groups gnomAD compares: Admixed American, 0.002%; no homozygotes.

Submissions (2):

Labcorp Genetics (formerly Invitae), Labcorp
Classification: Uncertain significance. Last evaluated: 2025-08-04. Review status: criteria provided, single submitter. Criteria: Invitae Variant Classification Sherloc (09022015). Collection method: clinical testing. Allele origin: germline.
Comment: This sequence change replaces glutamic acid, which is acidic and polar, with lysine, which is basic and polar, at codon 483 of the KPNA7 protein (p.Glu483Lys). This variant is present in population databases (no rsID available, gnomAD 0.006%). This variant has not been reported in the literature in individuals affected with KPNA7-related conditions. ClinVar contains an entry for this variant (Variation ID: 1021108). Invitae Evidence Modeling of protein sequence and biophysical properties (such as structural, functional, and spatial information, amino acid conservation, physicochemical variation, residue mobility, and thermodynamic stability) indicates that this missense variant is not expected to disrupt KPNA7 protein function with a negative predictive value of 80%. In summary, the available evidence is currently insufficient to determine the role of this variant in disease. Therefore, it has been classified as a Variant of Uncertain Significance.

Ambry Genetics
Classification: Uncertain significance. Last evaluated: 2024-09-02. Review status: criteria provided, single submitter. Criteria: Ambry Variant Classification Scheme 2023. Collection method: clinical testing. Allele origin: germline.